The following is an entry in ClinVar:

ClinVar aggregate classification (germline): Likely pathogenic (0 of 4 stars; one submission).

Conditions:
Alkuraya-Kucinskas syndrome. Identifiers: Orphanet 610569, MedGen C4693347, MONDO:0060631, OMIM 617822.

Submission:

Medical Genetics, Spectrum Health
Classification: Likely pathogenic for Alkuraya-Kucinskas syndrome. Last evaluated: 2023-06-09. Review status: no assertion criteria provided. Collection method: clinical testing. Allele origin: maternal. Inheritance: Autosomal recessive inheritance. Affected: yes.

NM_001384125.1(BLTP1):c.1310G>A (p.Gly437Glu)

Gene: BLTP1 (bridge-like lipid transfer protein family member 1; plus strand). Cytogenetic location: 4q27.
Variant type: single nucleotide variant.
Coding change: c.1310G>A on transcript NM_001384125.1 (MANE Select); coding-DNA position 1310, G replaced by A.
Protein change: p.Gly437Glu; replaces glycine 437 with glutamic acid.
Molecular consequence: missense variant.
Genome position (GRCh38, 1-based): chr4:122,199,380, G>A. VCF-style: chr4-122199380-G-A. GRCh37 (hg19) VCF-style: chr4-123120535-G-A.
Other names: c.1310G>A, p.Gly437Glu (NM_015312.4); short protein forms G437E.
Identifiers: ClinVar variation 2504643 (VCV002504643.2), dbSNP rs2480758383, ClinGen allele CA358063589.